The following is an entry in ClinVar:

ClinVar aggregate classification (germline): Pathogenic. Review status: reviewed by expert panel (3 of 4 stars). 5 submissions from 5 submitters: Pathogenic (1). 4 of the submissions do not count toward it. Last evaluated 2017-12-15.

Conditions:
Hereditary breast ovarian cancer syndrome. Also called: Breast and ovarian cancer; Hereditary breast and ovarian cancer; Hereditary breast and ovarian cancer syndrome; Hereditary breast and/or ovarian cancer syndrome; BRCA1- and BRCA2-Associated Hereditary Breast and Ovarian Cancer; Hereditary breast and ovarian cancer syndrome (HBOC). Identifiers: Orphanet 145, MedGen C0677776, MeSH D061325, MONDO:0003582. Disease mechanism: loss of function.
Breast-ovarian cancer, familial, susceptibility to, 1 (BROVCA1). Also called: BRCA1 Hereditary Breast and Ovarian Cancer; OVARIAN CANCER, SUSCEPTIBILITY TO. Identifiers: Orphanet 145, MedGen C2676676, MONDO:0011450, OMIM 604370. Disease mechanism: loss of function.
Hereditary cancer-predisposing syndrome. Also called: Tumor predisposition; Hereditary Cancer Syndrome; Neoplastic Syndromes, Hereditary; Hereditary neoplastic syndrome. Identifiers: Orphanet 140162, MedGen C0027672, MeSH D009386, MONDO:0015356.
BRCA1-related cancer predisposition. Identifiers: MedGen CN377757, MONDO:0700268.

Submissions (5):

Evidence-based Network for the Interpretation of Germline Mutant Alleles (ENIGMA)
Classification: Pathogenic for Breast-ovarian cancer, familial, susceptibility to, 1. Last evaluated: 2017-12-15. Review status: reviewed by expert panel. Criteria: ENIGMA BRCA1/2 Classification Criteria (2017-06-29). Collection method: curation. Allele origin: germline. Study: ENIGMA.
Comment: Variant allele predicted to encode a truncated non-functional protein.

All of Us Research Program, National Institutes of Health
Classification: Pathogenic for BRCA1-related cancer predisposition. Last evaluated: 2024-07-29. Review status: criteria provided, single submitter. Criteria: ACMG Guidelines, 2015. Collection method: clinical testing. Allele origin: germline. Inheritance: Autosomal dominant inheritance. Observed: 1 variant allele, 1 heterozygote. Not counted in ClinVar's aggregate classification.
Comment: This variant deletes 1 nucleotide in exon 10 of the BRCA1 gene, creating a frameshift and premature translation stop signal. This variant is expected to result in an absent or non-functional protein product. This variant has been reported in several individuals affected with breast and/or ovarian cancer (PMID: 24961674, 28724667, 30972954, 35186721) and also has been described as a common pathogenic BRCA variant in the Chinese population (PMID: 36385461). This variant has not been identified in the general population by the Genome Aggregation Database (gnomAD). Loss of BRCA1 function is a known mechanism of disease. Based on the available evidence, this variant is classified as Pathogenic.

This study involves interpretation of variants in research participants for the purpose of population health screening. Participant phenotype was not available at the time of variant classification. Additional details can be found in publication PMID: 35346344, PMCID: PMC8962531

Color Diagnostics, LLC DBA Color Health
Classification: Pathogenic for Hereditary cancer-predisposing syndrome. Last evaluated: 2024-05-03. Review status: criteria provided, single submitter. Criteria: ACMG Guidelines, 2015. Collection method: clinical testing. Allele origin: germline. Not counted in ClinVar's aggregate classification.
Comment: This variant deletes 1 nucleotide in exon 10 of the BRCA1 gene, creating a frameshift and premature translation stop signal. This variant is expected to result in an absent or non-functional protein product. This variant has been reported in several individuals affected with breast and/or ovarian cancer (PMID: 24961674, 28724667, 30972954, 35186721) and also has been described as a common pathogenic BRCA variant in the Chinese population (PMID: 36385461). This variant has not been identified in the general population by the Genome Aggregation Database (gnomAD). Loss of BRCA1 function is a known mechanism of disease. Based on the available evidence, this variant is classified as Pathogenic.

Labcorp Genetics (formerly Invitae), Labcorp
Classification: Pathogenic for Hereditary breast ovarian cancer syndrome. Last evaluated: 2023-12-07. Review status: criteria provided, single submitter. Criteria: Invitae Variant Classification Sherloc (09022015). Collection method: clinical testing. Allele origin: germline. Not counted in ClinVar's aggregate classification.
Comment: This sequence change creates a premature translational stop signal (p.Pro1099Leufs*10) in the BRCA1 gene. It is expected to result in an absent or disrupted protein product. Loss-of-function variants in BRCA1 are known to be pathogenic (PMID: 20104584). This variant is not present in population databases (gnomAD no frequency). This premature translational stop signal has been observed in individual(s) with breast cancer (PMID: 24961674, 28724667). ClinVar contains an entry for this variant (Variation ID: 230548). For these reasons, this variant has been classified as Pathogenic.

Ambry Genetics
Classification: Pathogenic for Hereditary cancer-predisposing syndrome. Last evaluated: 2023-04-05. Review status: criteria provided, single submitter. Criteria: Ambry Variant Classification Scheme 2023. Collection method: clinical testing. Allele origin: germline. Not counted in ClinVar's aggregate classification.
Comment: The c.3294delT pathogenic mutation, located in coding exon 9 of the BRCA1 gene, results from a deletion of one nucleotide at nucleotide position 3294, causing a translational frameshift with a predicted alternate stop codon (p.P1099Lfs*10). This mutation has been detected in Chinese cohorts of patients with breast and/or ovarian cancer (Li et al. Eur. J. Med. Res. 2014 Jun;19:35; Kim et al. Oncotarget 2016 Feb;7(8):9600-12; Sun et al. Clin. Cancer Res. 2017 Oct;23(20):6113-6119; Li et al. Gynecol. Oncol. 2018 10;151(1):145-152; Bhaskaran et al. Int. J. Cancer 2019 Aug;145(4):962-973; Deng et al. Mol Genet Genomic Med 2019 Jun;7(6):e672). In addition to the clinical data presented in the literature, this alteration is expected to result in loss of function by premature protein truncation or nonsense-mediated mRNA decay. As such, this alteration is interpreted as a disease-causing mutation.

Literature cited by the submitters: PubMed 24961674 (cited by 4 submitters); PubMed 28724667 (cited by 3 submitters); PubMed 30972954 (cited by All of Us Research Program, National Institutes of Health and Color Diagnostics, LLC DBA Color Health); PubMed 35186721 (cited by All of Us Research Program, National Institutes of Health and Color Diagnostics, LLC DBA Color Health); PubMed 36385461 (cited by All of Us Research Program, National Institutes of Health and Color Diagnostics, LLC DBA Color Health); PubMed 20104584 (cited by Labcorp Genetics (formerly Invitae), Labcorp).

NM_007294.4(BRCA1):c.3294del (p.Pro1099fs)

Genes: BRCA1 (BRCA1 DNA repair associated; minus strand), LOC126862571 (BRD4-independent group 4 enhancer GRCh37_chr17:41243136-41244335; plus strand). Cytogenetic location: 17q21.31.
Variant type: Deletion.
Coding change: c.3294del on transcript NM_007294.4 (MANE Select); coding-DNA position 3294, one base deleted (T; older notation c.3294delT).
Protein change: p.Pro1099fs; shifts the reading frame from proline 1099.
Molecular consequence: frameshift variant. On other transcripts: intron variant (137).
Genome position (GRCh38, 1-based): chr17:43,092,237, A deleted on the plus strand (T on the coding strand, the reverse complement: BRCA1 is on the minus strand); the first of 2 consecutive A bases (chr17:43,092,237-43,092,238); deleting either gives the same sequence. VCF-style (leftmost placement, unchanged base first): chr17-43092236-GA-G. GRCh37 (hg19) VCF-style: chr17-41244253-GA-G.
Other names: c.3294delT (NM_007294.3); c.3084del, p.Pro1029fs (NM_001407906.1, NM_001407907.1, NM_001407908.1 and 13 more transcripts); c.3081del, p.Pro1028fs (NM_001407915.1, NM_001407916.1, NM_001407917.1 and 9 more transcripts); c.3171del, p.Pro1058fs (NM_001407919.1, NM_001407937.1, NM_001407938.1 and 19 more transcripts); c.3030del, p.Pro1011fs (NM_001407920.1, NM_001407921.1, NM_001407922.1 and 9 more transcripts); c.3027del, p.Pro1010fs (NM_001407930.1, NM_001407931.1, NM_001407932.1 and 2 more transcripts); c.3168del, p.Pro1057fs (NM_001407940.1, NM_001407941.1, NM_001407649.1 and 11 more transcripts); c.3153del, p.Pro1052fs (NM_001407942.1, NM_001407944.1, NM_001407945.1 and 29 more transcripts); and 43 more; short protein forms P1099fs, P1052fs, P1010fs, P1031fs, P1032fs, P1098fs, P987fs, P1028fs.
Identifiers: ClinVar variation 230548 (VCV000230548.19), dbSNP rs876658626, ClinGen allele CA10580568.
Genomic context (GRCh38, chr17:43,092,236, plus strand): 5'-TCTGAACTACTTCTTCATATTCTTGCTTTTTTATTTCAGGATGCTTACAATTACTTCCAG[GA>G]AGACTTTGTTTATAGACCTCAGGTTGCAAAACCCCTAATCTAAGCATAGCATTCAATTTT-3'